The following is an entry in ClinVar:

NM_057176.3(BSND):c.127G>A (p.Val43Ile)

Gene: BSND (barttin CLCNK type accessory subunit beta; plus strand). Cytogenetic location: 1p32.3.
Variant type: single nucleotide variant.
Coding change: c.127G>A on transcript NM_057176.3 (MANE Select); coding-DNA position 127, G replaced by A.
Protein change: p.Val43Ile; replaces valine 43 with isoleucine.
Molecular consequence: missense variant.
Genome position (GRCh38, 1-based): chr1:54,999,313, G>A. VCF-style: chr1-54999313-G-A. GRCh37 (hg19) VCF-style: chr1-55464986-G-A.
Other names: NM_057176.2(BSND):c.127G>A(p.Val43Ile); short protein forms V43I.
Identifiers: ClinVar variation 46545 (VCV000046545.26), dbSNP rs34561376, ClinGen allele CA138597.

ClinVar aggregate classification (germline): Benign/Likely benign. Review status: criteria provided, multiple submitters, no conflicts (2 of 4 stars). 13 submissions from 13 submitters: Benign (10); Likely benign (2). 1 of the submissions does not count toward it. Last evaluated 2026-02-04.

Conditions:
Bartter syndrome. Identifiers: Orphanet 112, MedGen C0004775, MONDO:0015231.
Bartter disease type 4A. Also called: BARTTER SYNDROME, TYPE 4A, NEONATAL, WITH SENSORINEURAL DEAFNESS; BARTTER SYNDROME, NEONATAL, WITH SENSORINEURAL DEAFNESS. Identifiers: Orphanet 112, MedGen C1865270, MONDO:0011242, OMIM 602522.

Allele frequency attached by ClinVar (database versions not stated): gnomAD 0.04540 and 0.04587; TOPMed 0.05223; gnomAD exomes 0.01010 and 0.02696; ExAC 0.02790; ESP Exome Variant Server 0.04260; 1000 Genomes Project 30x 0.07886; 1000 Genomes Project 0.08167.

Submissions (13):

Labcorp Genetics (formerly Invitae), Labcorp
Classification: Benign. Last evaluated: 2026-02-04. Review status: criteria provided, single submitter. Criteria: Invitae Variant Classification Sherloc (09022015). Collection method: clinical testing. Allele origin: germline.

Blueprint Genetics
Classification: Benign. Last evaluated: 2024-11-26. Review status: criteria provided, single submitter. Criteria: ACMG Guidelines, 2015. Collection method: clinical testing. Allele origin: germline.

Mayo Clinic Laboratories, Mayo Clinic
Classification: Benign. Last evaluated: 2023-02-08. Review status: criteria provided, single submitter. Criteria: ACMG Guidelines, 2015. Collection method: clinical testing. Allele origin: germline. Observed: 13 variant alleles.
Comment: BA1, BS2, BP4

Women's Health and Genetics/Laboratory Corporation of America, LabCorp
Classification: Likely benign. Last evaluated: 2021-12-10. Review status: criteria provided, single submitter. Criteria: LabCorp Variant Classification Summary - May 2015. Collection method: clinical testing. Allele origin: germline.

Athena Diagnostics
Classification: Benign. Last evaluated: 2018-08-15. Review status: criteria provided, single submitter. Criteria: Athena Diagnostics Criteria. Collection method: clinical testing. Allele origin: germline.

SIB Swiss Institute of Bioinformatics
Classification: Benign. Last evaluated: 2018-05-31. Review status: criteria provided, single submitter. Criteria: ACMG Guidelines, 2015. Collection method: curation. Allele origin: unknown.
Comment: This variant is interpreted as a Benign - Stand Alone. The following ACMG Tag(s) were applied: BA1 => Allele frequency is >5% in Exome Sequencing Project, 1000 Genomes Project, or Exome Aggregation Consortium.

Illumina Laboratory Services, Illumina
Classification: Benign for Bartter disease type 4A. Last evaluated: 2018-03-06. Review status: criteria provided, single submitter. Criteria: ICSL Variant Classification Criteria 13 December 2019. Collection method: clinical testing. Allele origin: germline.
Comment: This variant was observed in the ICSL laboratory as part of a predisposition screen in an ostensibly healthy population. It had not been previously curated by ICSL or reported in the Human Gene Mutation Database (HGMD: prior to June 1st, 2018), and was therefore a candidate for classification through an automated scoring system. Utilizing variant allele frequency, disease prevalence and penetrance estimates, and inheritance mode, an automated score was calculated to assess if this variant is too frequent to cause the disease. Based on the score and internal cut-off values, a variant classified as benign is not then subjected to further curation. The score for this variant resulted in a classification of benign for this disease.

GeneDx
Classification: Benign. Last evaluated: 2017-10-03. Review status: criteria provided, single submitter. Criteria: GeneDx Variant Classification (06012015). Collection method: clinical testing. Allele origin: germline. Affected: yes.
Comment: This variant is considered likely benign or benign based on one or more of the following criteria: it is a conservative change, it occurs at a poorly conserved position in the protein, it is predicted to be benign by multiple in silico algorithms, and/or has population frequency not consistent with disease.

Eurofins Ntd Llc (ga)
Classification: Benign. Last evaluated: 2016-03-28. Review status: criteria provided, single submitter. Criteria: EGL Classification Definitions 2015. Collection method: clinical testing. Allele origin: germline. Observed: 1 variant allele, 1 heterozygote.

Laboratory for Molecular Medicine, Mass General Brigham Personalized Medicine
Classification: Benign. Last evaluated: 2012-05-07. Review status: criteria provided, single submitter. Criteria: LMM Criteria. Collection method: clinical testing. Allele origin: germline. Observed: 71 variant alleles.
Comment: Val43Ile in Exon 01 of BSND: This variant is not expected to have clinical signi ficance because it has been identified in 12.4% (462/3738) of African American c hromosomes from a broad population by the NHLBI Exome Sequencing Project (dbSNP rs34561376).

Breakthrough Genomics
Classification: Likely benign. Review status: criteria provided, single submitter. Criteria: ACMG Guidelines, 2015. Collection method: not provided. Allele origin: germline. Inheritance: Autosomal recessive inheritance. Affected: yes.

PreventionGenetics, part of Exact Sciences
Classification: Benign. Review status: criteria provided, single submitter. Criteria: ACMG Guidelines, 2015. Collection method: clinical testing. Allele origin: germline.

Natera, Inc.
Classification: Benign for Bartter syndrome. Last evaluated: 2020-09-16. Review status: no assertion criteria provided. Collection method: clinical testing. Allele origin: germline. Not counted in ClinVar's aggregate classification.

Literature cited by the submitters: PubMed 17954364 (cited by Athena Diagnostics); PubMed 19025784 (cited by Athena Diagnostics); PubMed 28012523 (cited by Athena Diagnostics).